The following is an entry in ClinVar:

NM_000135.4(FANCA):c.2308C>T (p.Arg770Cys)

Gene: FANCA (FA complementation group A; minus strand). Cytogenetic location: 16q24.3.
Variant type: single nucleotide variant.
Coding change: c.2308C>T on transcript NM_000135.4 (MANE Select); coding-DNA position 2308, C replaced by T.
Protein change: p.Arg770Cys; replaces arginine 770 with cysteine.
Molecular consequence: missense variant.
Genome position (GRCh38, 1-based): chr16:89,770,174, G>A on the plus strand (C>T on the coding strand, the complement: FANCA is on the minus strand). VCF-style: chr16-89770174-G-A. GRCh37 (hg19) VCF-style: chr16-89836582-G-A.
Other names: c.2308C>T, p.Arg770Cys (NM_001286167.3); short protein forms R770C.
Identifiers: ClinVar variation 1338065 (VCV001338065.9), dbSNP rs1354855145, ClinGen allele CA397444953.

ClinVar aggregate classification (germline): Uncertain significance. Review status: criteria provided, multiple submitters, no conflicts (2 of 4 stars). 2 submissions from 2 submitters: Uncertain significance (2). Last evaluated 2025-10-19.

Conditions:
Fanconi anemia (FA). Also called: Fanconi's anemia. Identifiers: Orphanet 84, MedGen C0015625, MeSH D005199, MONDO:0019391.

Allele frequency attached by ClinVar (database versions not stated): gnomAD exomes 0.00001 and 0.00003; TOPMed 0.00002; gnomAD 0.00003.
gnomAD v4.1: 46 of 1,589,958 alleles (0.0029%); highest among the groups gnomAD compares: East Asian, 0.0045%; no homozygotes.

Submissions (2):

Labcorp Genetics (formerly Invitae), Labcorp
Classification: Uncertain significance for Fanconi anemia. Last evaluated: 2025-10-19. Review status: criteria provided, single submitter. Criteria: Invitae Variant Classification Sherloc (09022015). Collection method: clinical testing. Allele origin: germline.
Comment: This sequence change replaces arginine, which is basic and polar, with cysteine, which is neutral and slightly polar, at codon 770 of the FANCA protein (p.Arg770Cys). The frequency data for this variant in the population databases is considered unreliable, as metrics indicate poor data quality at this position in the gnomAD database. This variant has not been reported in the literature in individuals affected with FANCA-related conditions. ClinVar contains an entry for this variant (Variation ID: 1338065). Invitae Evidence Modeling of protein sequence and biophysical properties (such as structural, functional, and spatial information, amino acid conservation, physicochemical variation, residue mobility, and thermodynamic stability) indicates that this missense variant is not expected to disrupt FANCA protein function with a negative predictive value of 95%. In summary, the available evidence is currently insufficient to determine the role of this variant in disease. Therefore, it has been classified as a Variant of Uncertain Significance.

Genetic Services Laboratory, University of Chicago
Classification: Uncertain significance. Last evaluated: 2021-08-30. Review status: criteria provided, single submitter. Criteria: ACMG Guidelines, 2015. Collection method: clinical testing. Allele origin: germline. Affected: no.
Comment: DNA sequence analysis of the FANCA gene demonstrated a sequence change, c.2308C>T, in exon 25 that results in an amino acid change, p.Arg770Cys. This sequence change has been described in the gnomAD database with a frequency of 0.0057% in the East Asian subpopulation (dbSNP rs1354855145). The p.Arg770Cys change affects a poorly conserved amino acid residue located in a domain of the FANCA protein that is not known to be functional. The p.Arg770Cys substitution appears to be benign using several in-silico pathogenicity prediction tools (SIFT, PolyPhen2, Align GVGD, REVEL). This sequence change does not appear to have been previously described in individuals with FANCA-related disorders. Due to insufficient evidences and the lack of functional studies, the clinical significance of the p.Arg770Cys change remains unknown at this time.